The following is an entry in ClinVar:

ClinVar aggregate classification (germline): Uncertain significance. Review status: criteria provided, multiple submitters, no conflicts (2 of 4 stars). 3 submissions from 3 submitters: Uncertain significance (2). 1 of the submissions does not count toward it. Last evaluated 2025-11-18.

Conditions:
POLA1-related disorder. Also called: POLA1-related condition.
X-linked intellectual disability, van Esch type. Also called: Van Esch-O'Driscoll syndrome; MENTAL RETARDATION, X-LINKED, SYNDROMIC, VAN ESCH-O''DRISCOLL TYPE. Identifiers: Orphanet 163976, MedGen C4305072, MONDO:0015601, OMIM 301030.

Allele frequency attached by ClinVar (database versions not stated): TOPMed 0.00002.
gnomAD v4.1: 64 of 1,179,634 alleles (0.0054%); highest among the groups gnomAD compares: Non-Finnish European, 0.0073%; no homozygotes.

Submissions (3):

Labcorp Genetics (formerly Invitae), Labcorp
Classification: Uncertain significance. Last evaluated: 2025-11-18. Review status: criteria provided, single submitter. Criteria: Invitae Variant Classification Sherloc (09022015). Collection method: clinical testing. Allele origin: germline.
Comment: This sequence change replaces glycine, which is neutral and non-polar, with arginine, which is basic and polar, at codon 1240 of the POLA1 protein (p.Gly1240Arg). This variant also falls at the last nucleotide of exon 32, which is part of the consensus splice site for this exon. This variant is present in population databases (no rsID available, gnomAD 0.003%). This variant has not been reported in the literature in individuals affected with POLA1-related conditions. ClinVar contains an entry for this variant (Variation ID: 3012181). An algorithm developed to predict the effect of missense changes on protein structure and function (PolyPhen-2) suggests that this variant is likely to be disruptive. Variants that disrupt the consensus splice site are a relatively common cause of aberrant splicing (PMID: 17576681, 9536098). In summary, the available evidence is currently insufficient to determine the role of this variant in disease. Therefore, it has been classified as a Variant of Uncertain Significance.

Baylor Genetics
Classification: Uncertain significance for X-linked intellectual disability, van Esch type. Last evaluated: 2024-03-12. Review status: criteria provided, single submitter. Criteria: ACMG Guidelines, 2015. Collection method: clinical testing. Allele origin: unknown.

PreventionGenetics, part of Exact Sciences
Classification: Uncertain significance for POLA1-related condition. Last evaluated: 2024-09-07. Review status: no assertion criteria provided. Collection method: clinical testing. Allele origin: germline. Not counted in ClinVar's aggregate classification.
Comment: The POLA1 c.3718G>C variant is predicted to result in the amino acid substitution p.Gly1240Arg. To our knowledge, this variant has not been reported in the literature. This variant is reported in 0.0029% of alleles in individuals of European (Non-Finnish) descent in gnomAD v2 (as displayed in the table above). However, in gnomAD v4 (available only on GRCh38), this variant is reported in 64 alleles out of 1,179,634 alleles in a subpopulation, including 22 hemizygotes. This population data is not consistent with this variant being a primary cause of disease. While this variant may be benign, at this time, the clinical significance of this variant is uncertain due to the absence of conclusive functional and genetic evidence.

Literature cited by the submitters: PubMed 17576681 (cited by Labcorp Genetics (formerly Invitae), Labcorp); PubMed 9536098 (cited by Labcorp Genetics (formerly Invitae), Labcorp).

NM_001330360.2(POLA1):c.3736G>C (p.Gly1246Arg)

Gene: POLA1 (DNA polymerase alpha 1, catalytic subunit; plus strand). Cytogenetic location: Xp22.11.
Variant type: single nucleotide variant.
Coding change: c.3736G>C on transcript NM_001330360.2 (MANE Select); coding-DNA position 3736, G replaced by C.
Protein change: p.Gly1246Arg; replaces glycine 1246 with arginine.
Molecular consequence: missense variant. On other transcripts: non-coding transcript variant (2).
Genome position (GRCh38, 1-based): chrX:24,826,601, G>C. VCF-style: chrX-24826601-G-C. GRCh37 (hg19) VCF-style: chrX-24844718-G-C.
Other names: c.3661G>C, p.Gly1221Arg (NM_001378303.1); c.3718G>C, p.Gly1240Arg (NM_016937.4); c.3718G>C (NM_016937.3); short protein forms G1240R, G1246R, G1221R.
Identifiers: ClinVar variation 3012181 (VCV003012181.5), dbSNP rs1397809303, ClinGen allele CA412529492.